The following is an entry in ClinVar:

NM_002528.7(NTHL1):c.192C>A (p.Asp64Glu)

Gene: NTHL1 (nth like DNA glycosylase 1; minus strand). Cytogenetic location: 16p13.3.
Variant type: single nucleotide variant.
Coding change: c.192C>A on transcript NM_002528.7 (MANE Select); coding-DNA position 192, C replaced by A.
Protein change: p.Asp64Glu; replaces aspartic acid 64 with glutamic acid.
Molecular consequence: missense variant.
Genome position (GRCh38, 1-based): chr16:2,046,290, G>T on the plus strand (C>A on the coding strand, the complement: NTHL1 is on the minus strand). VCF-style: chr16-2046290-G-T. GRCh37 (hg19) VCF-style: chr16-2096291-G-T.
Other names: c.192C>A, p.Asp64Glu (NM_001318193.2); c.14C>A, p.Thr5Lys (NM_001318194.2); short protein forms D64E, T5K.
Identifiers: ClinVar variation 3301261 (VCV003301261.1).

ClinVar aggregate classification (germline): Uncertain significance (1 of 4 stars; one submission).

Conditions:
Hereditary cancer-predisposing syndrome. Also called: Tumor predisposition; Hereditary Cancer Syndrome; Hereditary neoplastic syndrome; Neoplastic Syndromes, Hereditary. Identifiers: Orphanet 140162, MedGen C0027672, MeSH D009386, MONDO:0015356.

Submission:

Ambry Genetics
Classification: Uncertain significance for Hereditary cancer-predisposing syndrome. Last evaluated: 2024-05-05. Review status: criteria provided, single submitter. Criteria: Ambry Variant Classification Scheme 2023. Collection method: clinical testing. Allele origin: germline.
Comment: The p.D72E variant (also known as c.216C>A), located in coding exon 2 of the NTHL1 gene, results from a C to A substitution at nucleotide position 216. The aspartic acid at codon 72 is replaced by glutamic acid, an amino acid with highly similar properties. This amino acid position is conserved. In addition, this alteration is predicted to be tolerated by in silico analysis. Based on the available evidence, the clinical significance of this variant remains unclear.